The following is an entry in ClinVar:

NM_001354604.2(MITF):c.442G>A (p.Ala148Thr)

Gene: MITF (melanocyte inducing transcription factor; plus strand). Cytogenetic location: 3p13.
Variant type: single nucleotide variant.
Coding change: c.442G>A on transcript NM_001354604.2 (MANE Select); coding-DNA position 442, G replaced by A.
Protein change: p.Ala148Thr; replaces alanine 148 with threonine.
Molecular consequence: missense variant. On other transcripts: intron variant (1).
Genome position (GRCh38, 1-based): chr3:69,937,909, G>A. VCF-style: chr3-69937909-G-A. GRCh37 (hg19) VCF-style: chr3-69987060-G-A.
Other names: c.121G>A, p.Ala41Thr (NM_000248.4, NM_001184968.2, NM_198158.3); c.286G>A, p.Ala96Thr (NM_001184967.2, NM_001354608.2); c.439G>A, p.Ala147Thr (NM_001354605.2, NM_001354606.2, NM_006722.3); c.391G>A, p.Ala131Thr (NM_001354607.2); c.442G>A, p.Ala148Thr (NM_198159.3); c.394G>A, p.Ala132Thr (NM_198177.3); c.93+28G>A (NM_198178.3); short protein forms A131T, A132T, A147T, A148T, A41T, A96T.
Identifiers: ClinVar variation 3749069 (VCV003749069.3).

ClinVar aggregate classification (germline): Uncertain significance. Review status: criteria provided, multiple submitters, no conflicts (2 of 4 stars). 2 submissions from 2 submitters: Uncertain significance (2). Last evaluated 2025-09-28.

Conditions:
Hereditary cancer-predisposing syndrome. Also called: Tumor predisposition; Hereditary Cancer Syndrome; Hereditary neoplastic syndrome; Neoplastic Syndromes, Hereditary. Identifiers: Orphanet 140162, MedGen C0027672, MeSH D009386, MONDO:0015356.
Melanoma, cutaneous malignant, susceptibility to, 8. Also called: Cutaneous malignant melanoma 8; MELANOMA AND RENAL CELL CARCINOMA, SUSCEPTIBILITY TO. Identifiers: Orphanet 293822, MedGen C3152204, MONDO:0013759, OMIM 614456.
Tietz syndrome (TADS). Also called: HYPOPIGMENTATION/DEAFNESS OF TIETZ; TIETZ ALBINISM-DEAFNESS SYNDROME; ALBINISM-DEAFNESS OF TIETZ. Identifiers: Orphanet 42665, MedGen C0391816, MONDO:0007077, OMIM 103500.
Waardenburg syndrome type 2A (WS2A). Also called: WAARDENBURG SYNDROME WITHOUT DYSTOPIA CANTHORUM. Identifiers: Orphanet 3440, MedGen C1860339, MONDO:0008671, OMIM 193510.

gnomAD v4.1: 6 of 1,614,090 alleles (0.00037%); highest among the groups gnomAD compares: South Asian, 0.0066%; no homozygotes.

Submissions (2):

Ambry Genetics
Classification: Uncertain significance for Hereditary cancer-predisposing syndrome. Last evaluated: 2025-09-28. Review status: criteria provided, single submitter. Criteria: Ambry Variant Classification Scheme 2023. Collection method: clinical testing. Allele origin: germline.
Comment: The p.A41T variant (also known as c.121G>A), located in coding exon 2 of the MITF gene, results from a G to A substitution at nucleotide position 121. The alanine at codon 41 is replaced by threonine, an amino acid with similar properties. This amino acid position is conserved. In addition, this alteration is predicted to be tolerated by in silico analysis. Based on the available evidence, the clinical significance of this variant remains unclear.

Labcorp Genetics (formerly Invitae), Labcorp
Classification: Uncertain significance for Melanoma, cutaneous malignant, susceptibility to, 8; Waardenburg syndrome type 2A; Tietz syndrome. Last evaluated: 2024-08-01. Review status: criteria provided, single submitter. Criteria: Invitae Variant Classification Sherloc (09022015). Collection method: clinical testing. Allele origin: germline.
Comment: This sequence change replaces alanine, which is neutral and non-polar, with threonine, which is neutral and polar, at codon 41 of the MITF protein (p.Ala41Thr). This variant is present in population databases (rs758308546, gnomAD 0.003%). This variant has not been reported in the literature in individuals affected with MITF-related conditions. Advanced modeling of protein sequence and biophysical properties (such as structural, functional, and spatial information, amino acid conservation, physicochemical variation, residue mobility, and thermodynamic stability) performed at Invitae indicates that this missense variant is not expected to disrupt MITF protein function with a negative predictive value of 80%. In summary, the available evidence is currently insufficient to determine the role of this variant in disease. Therefore, it has been classified as a Variant of Uncertain Significance.